The following is an entry in ClinVar:

ClinVar aggregate classification (germline): Benign/Likely benign. Review status: criteria provided, multiple submitters, no conflicts (2 of 4 stars). 2 submissions from 2 submitters: Benign (1); Likely benign (1). Last evaluated 2022-04-01.

Allele frequency attached by ClinVar (database versions not stated): 1000 Genomes Project 30x 0.00016; 1000 Genomes Project 0.00020; ESP Exome Variant Server 0.00073; TOPMed 0.00091; gnomAD exomes 0.00133 and 0.00203; gnomAD 0.00214 and 0.00227; ExAC 0.00252.
gnomAD v4.1: 2,259 of 1,610,498 alleles (0.14%); highest among the groups gnomAD compares: Non-Finnish European, 0.12%; 13 homozygotes.

Submissions (2):

CeGaT Center for Human Genetics Tuebingen
Classification: Likely benign. Last evaluated: 2022-04-01. Review status: criteria provided, single submitter. Criteria: CeGaT Center For Human Genetics Tuebingen Variant Classification Criteria Version 2. Collection method: clinical testing. Allele origin: germline. Affected: yes. Observed: 1 variant allele.
Comment: CLEC16A: BP4

Labcorp Genetics (formerly Invitae), Labcorp
Classification: Benign. Last evaluated: 2019-12-31. Review status: criteria provided, single submitter. Criteria: Invitae Variant Classification Sherloc (09022015). Collection method: clinical testing. Allele origin: germline.

NM_015226.3(CLEC16A):c.1424C>T (p.Thr475Met)

Gene: CLEC16A (C-type lectin domain containing 16A; plus strand). Cytogenetic location: 16p13.13.
Variant type: single nucleotide variant.
Coding change: c.1424C>T on transcript NM_015226.3 (MANE Select); coding-DNA position 1424, C replaced by T.
Protein change: p.Thr475Met; replaces threonine 475 with methionine.
Molecular consequence: missense variant.
Genome position (GRCh38, 1-based): chr16:11,020,313, C>T. VCF-style: chr16-11020313-C-T. GRCh37 (hg19) VCF-style: chr16-11114170-C-T.
Other names: c.1370C>T, p.Thr457Met (NM_001243403.2); short protein forms T457M, T475M.
Identifiers: ClinVar variation 779451 (VCV000779451.28), dbSNP rs74163614, ClinGen allele CA7901412.